The following is an entry in ClinVar:

ClinVar aggregate classification (germline): Likely pathogenic. Review status: criteria provided, multiple submitters, no conflicts (2 of 4 stars). 2 submissions from 2 submitters: Likely pathogenic (2). Last evaluated 2024-06-03.

Conditions:
Deficiency of steroid 17-alpha-monooxygenase. Also called: 17-alpha-hydroxylase/17,20-lyase deficiency; ADRENAL HYPERPLASIA V; 17-ALPHA-HYDROXYLASE DEFICIENCY; Congenital adrenal hyperplasia due to 17-alpha-hydroxylase deficiency; Congenital adrenal hyperplasia type 5. Identifiers: Orphanet 90793, MedGen C0268285, MONDO:0008730, OMIM 202110.

Submissions (2):

Natera, Inc.
Classification: Likely pathogenic for Deficiency of steroid 17-alpha-monooxygenase. Last evaluated: 2024-06-03. Review status: criteria provided, single submitter. Criteria: Natera Variant Classification Schema (03/2026). Collection method: clinical testing. Allele origin: germline.
Comment: The c.1244-1G>C variant in CYP17A1 is a canonical splice acceptor site variant predicted to affect pre-mRNA splicing, which may result in an abnormal transcript and altered protein product. This variant is expected to result in nonsense mediated decay, truncation, or a dysfunctional protein product. This variant is rare in the general population with a frequency below the threshold expected for the associated phenotype(s). Given the available evidence, this variant is classified as Likely Pathogenic.

Baylor Genetics
Classification: Likely pathogenic for Deficiency of steroid 17-alpha-monooxygenase. Last evaluated: 2023-06-05. Review status: criteria provided, single submitter. Criteria: ACMG Guidelines, 2015. Collection method: clinical testing. Allele origin: unknown.

NM_000102.4(CYP17A1):c.1244-1G>C

Gene: CYP17A1 (cytochrome P450 family 17 subfamily A member 1; minus strand). Cytogenetic location: 10q24.32.
Variant type: single nucleotide variant.
Coding change: c.1244-1G>C on transcript NM_000102.4 (MANE Select); the canonical splice acceptor site of the intron before coding-DNA position 1244, G replaced by C.
Molecular consequence: splice acceptor variant.
Genome position (GRCh38, 1-based): chr10:102,830,986, C>G on the plus strand (G>C on the coding strand, the complement: CYP17A1 is on the minus strand). VCF-style: chr10-102830986-C-G. GRCh37 (hg19) VCF-style: chr10-104590743-C-G.
Other names: c.1244-1G>C (NM_000102.3).
Identifiers: ClinVar variation 2681105 (VCV002681105.2), dbSNP rs908660542, ClinGen allele CA377938389.
Genomic context (GRCh38, chr10:102,830,986, plus strand): 5'-AGGGCAAATAGCTTACTGACGGTGAGATGAGCTGGGTCCCCGCTGGATTCAAGAAACGCT[C>G]TGCAGGCAAGGAGTGGCATCAGCCAGGGGTTAGGGCAGGAGGGAGGAGAGGCATGGTTCT-3'